The following is an entry in ClinVar:

NM_000548.5(TSC2):c.659A>C (p.Gln220Pro)

Gene: TSC2 (TSC complex subunit 2; plus strand). Cytogenetic location: 16p13.3.
Variant type: single nucleotide variant.
Coding change: c.659A>C on transcript NM_000548.5 (MANE Select); coding-DNA position 659, A replaced by C.
Protein change: p.Gln220Pro; replaces glutamine 220 with proline.
Molecular consequence: missense variant. On other transcripts: 5 prime UTR variant (9), non-coding transcript variant (5), splice acceptor variant (3).
Genome position (GRCh38, 1-based): chr16:2,056,654, A>C. VCF-style: chr16-2056654-A-C. GRCh37 (hg19) VCF-style: chr16-2106655-A-C.
Other names: c.659A>C, p.Gln220Pro (NM_001370405.1, NM_001406663.1, NM_001406664.1 and 6 more transcripts); c.749A>C, p.Gln250Pro (NM_001406667.1, NM_001406668.1); c.548A>C, p.Gln183Pro (NM_001406670.1, NM_001406678.1, NM_001318827.2); c.512A>C, p.Gln171Pro (NM_001406675.1, NM_001406676.1, NM_001406679.1 and 1 more transcripts); c.602A>C, p.Gln201Pro (NM_001406677.1); c.59A>C, p.Gln20Pro (NM_001406680.1, NM_001406682.1, NM_001406683.1 and 6 more transcripts); c.197A>C, p.Gln66Pro (NM_001406681.1); c.-773A>C (NM_001406689.1, NM_001406690.1, NM_001406691.1 and 3 more transcripts); and 5 more; short protein forms Q171P, Q183P, Q201P, Q20P, Q220P, Q231P, Q250P, Q66P.
Identifiers: ClinVar variation 3624963 (VCV003624963.2).

ClinVar aggregate classification (germline): Uncertain significance (1 of 4 stars; one submission).

Conditions:
Tuberous sclerosis 2 (TSC2). Identifiers: Orphanet 805, MedGen C1860707, MONDO:0013199, OMIM 613254.

Submission:

Labcorp Genetics (formerly Invitae), Labcorp
Classification: Uncertain significance for Tuberous sclerosis 2. Last evaluated: 2024-05-22. Review status: criteria provided, single submitter. Criteria: Invitae Variant Classification Sherloc (09022015). Collection method: clinical testing. Allele origin: germline.
Comment: This sequence change replaces glutamine, which is neutral and polar, with proline, which is neutral and non-polar, at codon 220 of the TSC2 protein (p.Gln220Pro). This variant is not present in population databases (gnomAD no frequency). This variant has not been reported in the literature in individuals affected with TSC2-related conditions. Advanced modeling of protein sequence and biophysical properties (such as structural, functional, and spatial information, amino acid conservation, physicochemical variation, residue mobility, and thermodynamic stability) performed at Invitae indicates that this missense variant is not expected to disrupt TSC2 protein function with a negative predictive value of 95%. In summary, the available evidence is currently insufficient to determine the role of this variant in disease. Therefore, it has been classified as a Variant of Uncertain Significance.